The following is an entry in ClinVar:

NM_205768.3(ZBTB18):c.990G>A (p.Ser330=)

Gene: ZBTB18 (zinc finger and BTB domain containing 18; plus strand). Cytogenetic location: 1q44.
Variant type: single nucleotide variant.
Coding change: c.990G>A on transcript NM_205768.3 (MANE Select); coding-DNA position 990, G replaced by A.
Protein change: p.Ser330=; no amino-acid change (serine 330 retained).
Molecular consequence: synonymous variant.
Genome position (GRCh38, 1-based): chr1:244,054,764, G>A. VCF-style: chr1-244054764-G-A. GRCh37 (hg19) VCF-style: chr1-244218066-G-A.
Other names: c.963G>A, p.Ser321= (NM_001278196.2, NM_006352.5); c.*167G>A (NM_001421566.1).
Identifiers: ClinVar variation 2578606 (VCV002578606.25), dbSNP rs139252576, ClinGen allele CA1484375.

ClinVar aggregate classification (germline): Likely benign (1 of 4 stars; one submission).

Allele frequency attached by ClinVar (database versions not stated): ExAC 0.00002; TOPMed 0.00003; ESP Exome Variant Server 0.00023.

Submission:

CeGaT Center for Human Genetics Tuebingen
Classification: Likely benign. Last evaluated: 2023-08-01. Review status: criteria provided, single submitter. Criteria: CeGaT Center For Human Genetics Tuebingen Variant Classification Criteria Version 2. Collection method: clinical testing. Allele origin: germline. Affected: yes. Observed: 1 variant allele.
Comment: ZBTB18: BP4, BP7